The following is an entry in ClinVar:

NM_000368.5(TSC1):c.954GTT[1] (p.Leu320del)

Gene: TSC1 (TSC complex subunit 1; minus strand). Cytogenetic location: 9q34.13.
Variant type: Microsatellite.
Coding change: c.954GTT[1] on transcript NM_000368.5 (MANE Select); one copy of the 3-base unit GTT starting at c.954; the reference has two copies in a row; one copy, 3 bases deleted; also written c.957_959del.
Protein change: p.Leu320del; deletes leucine 320.
Molecular consequence: inframe deletion.
Genome position (GRCh38, 1-based): chr9:132,911,523-132,911,525, AAC deleted on the plus strand (GTT on the coding strand, the reverse complement: TSC1 is on the minus strand); deleting any 3 consecutive bases within chr9:132,911,523-132,911,529 gives the same sequence; the position shown is the placement nearest the transcript's 3' end. VCF-style (leftmost placement, unchanged base first): chr9-132911522-TAAC-T. GRCh37 (hg19) VCF-style: chr9-135786909-TAAC-T.
Other names: c.957_959delGTT (NM_000368.5, NM_000368.4); c.957_959del (NM_000368.5); c.954GTT[1], p.Leu320del (NM_001162426.2); c.801GTT[1], p.Leu269del (NM_001162427.2); c.591GTT[1], p.Leu199del (NM_001362177.2); short protein forms L320del, L199del, L269del.
Identifiers: ClinVar variation 411287 (VCV000411287.68), dbSNP rs755655903, ClinGen allele CA5301770.
Genomic context (GRCh38, chr9:132,911,522, plus strand): 5'-TTCAGTTATCAGCCGTGTCGATGGGGAACTCAGAGTCTGAGGTAGCTGCCCTGGCATATT[TAAC>T]AACATCAGCCGAGACGTGGAGTAAGGGGTAGAAGTAGCACACCCTAAAATGGAAGAGAAG-3'

ClinVar aggregate classification (germline): Conflicting classifications of pathogenicity. Review status: criteria provided, conflicting classifications (1 of 4 stars). 9 submissions from 9 submitters: Uncertain significance (5); Likely benign (3). 1 of the submissions does not count toward it. Last evaluated 2026-02-14.

Conditions:
TSC1-related disorder. Also called: TSC1-related condition.
Hereditary cancer-predisposing syndrome. Also called: Neoplastic Syndromes, Hereditary; Tumor predisposition; Hereditary Cancer Syndrome; Hereditary neoplastic syndrome. Identifiers: Orphanet 140162, MedGen C0027672, MeSH D009386, MONDO:0015356.
Tuberous sclerosis syndrome (TSC). Also called: Tuberous Sclerosis Complex; Tuberous sclerosis. Identifiers: Orphanet 805, MedGen C0041341, MONDO:0001734.
Tuberous sclerosis 1 (TSC1). Identifiers: Orphanet 805, MedGen C1854465, MONDO:0008612, OMIM 191100.
Seizure. Also called: Seizures. Identifiers: MedGen C0036572, HP:0001250.

Submissions (9):

PreventionGenetics, part of Exact Sciences
Classification: Likely benign for TSC1-related condition. Last evaluated: 2026-02-14. Review status: criteria provided, single submitter. Criteria: ACMG Guidelines, 2015. Collection method: clinical testing. Allele origin: germline.
Comment: This variant is classified as likely benign based on ACMG/AMP sequence variant interpretation guidelines (Richards et al. 2015 PMID: 25741868, with internal and published modifications).

Labcorp Genetics (formerly Invitae), Labcorp
Classification: Likely benign for Tuberous sclerosis 1. Last evaluated: 2026-01-12. Review status: criteria provided, single submitter. Criteria: Invitae Variant Classification Sherloc (09022015). Collection method: clinical testing. Allele origin: germline.

Women's Health and Genetics/Laboratory Corporation of America, LabCorp
Classification: Uncertain significance. Last evaluated: 2025-04-08. Review status: criteria provided, single submitter. Criteria: LabCorp Variant Classification Summary - May 2015. Collection method: clinical testing. Allele origin: germline.
Comment: Variant summary: TSC1 c.957_959delGTT (p.Leu320del) results in an in-frame deletion that is predicted to remove one amino acids from the encoded protein. The variant was absent in 251324 control chromosomes. The available data on variant occurrences in the general population are insufficient to allow any conclusion about variant significance. To our knowledge, no occurrence of c.957_959delGTT in individuals affected with Tuberous Sclerosis Complex and no experimental evidence demonstrating its impact on protein function have been reported. ClinVar contains an entry for this variant (Variation ID: 411287). Based on the evidence outlined above, the variant was classified as uncertain significance.

Ambry Genetics
Classification: Uncertain significance for Hereditary cancer-predisposing syndrome. Last evaluated: 2024-07-25. Review status: criteria provided, single submitter. Criteria: Ambry Variant Classification Scheme 2023. Collection method: clinical testing. Allele origin: germline.
Comment: The c.957_959delGTT variant (also known as p.L320del) is located in coding exon 8 of the TSC1 gene. This variant results from an in-frame GTT deletion at nucleotide positions 957 to 959. This results in the in-frame deletion of a leucine at codon 320. This nucleotide region is not well conserved in available vertebrate species. In addition, this alteration is predicted to be neutral by in silico analysis (Choi Y et al. PLoS ONE. 2012; 7(10):e46688). Based on the available evidence, the clinical significance of this variant remains unclear.

Color Diagnostics, LLC DBA Color Health
Classification: Uncertain significance for Tuberous sclerosis syndrome. Last evaluated: 2023-09-01. Review status: criteria provided, single submitter. Criteria: ACMG Guidelines, 2015. Collection method: clinical testing. Allele origin: germline.
Comment: This variant causes an in-frame deletion of leucine at codon 320 of the TSC1 protein. To our knowledge, functional studies have not been reported for this variant. This variant has not been reported in individuals affected with TSC1-related disorders in the literature. This variant has not been identified in the general population by the Genome Aggregation Database (gnomAD). The available evidence is insufficient to determine the role of this variant in disease conclusively. Therefore, this variant is classified as a Variant of Uncertain Significance.

GeneDx
Classification: Likely benign. Last evaluated: 2023-02-02. Review status: criteria provided, single submitter. Criteria: GeneDx Variant Classification Process June 2021. Collection method: clinical testing. Allele origin: germline. Affected: yes.
Comment: See Variant Classification Assertion Criteria.

Sema4
Classification: Uncertain significance for Hereditary cancer-predisposing syndrome. Last evaluated: 2021-04-19. Review status: criteria provided, single submitter. Criteria: Sema4 Curation Guidelines. Collection method: curation. Allele origin: germline.
Comment: The TSC1 c.957_959delGTT (p.L320del) variant has been reported in heterozygosity in at least one individual with renal cell carcinoma (PMID: 29684080). This variant is not reported in the population database Genome Aggregation Database (PMID: 32461654). This variant has been reported in ClinVar (Variation ID: 411287). This in-frame deletion affects an amino acid that is poorly conserved in vertebrates. The overall evidence is inconsistent with ACMG/AMP requirements for a classification of benign or pathogenic. In summary, the clinical significance of this variant is currently uncertain.

ARUP Laboratories, Molecular Genetics and Genomics, ARUP Laboratories
Classification: Uncertain significance. Last evaluated: 2019-11-06. Review status: criteria provided, single submitter. Criteria: ARUP Molecular Germline Variant Investigation Process. Collection method: clinical testing. Allele origin: germline.
Comment: The TSC1 c.957_959delGTT; p.Leu320del variant (rs755655903), also known as 954_956GTT[1], is reported in ClinVar (Variation ID: 411287). This variant is absent from general population databases (Exome Variant Server, Genome Aggregation Database), indicating it is not a common polymorphism. This variant deletes a single leucine residue leaving the rest of the protein in-frame. Due to limited information, the clinical significance of this variant is uncertain at this time.

Clinical Molecular Genetics Laboratory, Johns Hopkins All Children's Hospital
Classification: Uncertain significance for Seizures. Last evaluated: 2017-08-11. Review status: no assertion criteria provided. Collection method: clinical testing. Allele origin: germline. Affected: yes. Not counted in ClinVar's aggregate classification.

Literature cited by the submitters: PubMed 29684080 (cited by Sema4).